The following is an entry in ClinVar:

ClinVar aggregate classification (germline): Uncertain significance (1 of 4 stars; one submission).

Conditions:
Cardiovascular phenotype. Identifiers: MedGen CN230736.

Submission:

Ambry Genetics
Classification: Uncertain significance for Cardiovascular phenotype. Last evaluated: 2026-04-28. Review status: criteria provided, single submitter. Criteria: Ambry Variant Classification Scheme 2023. Collection method: clinical testing. Allele origin: germline.
Comment: The p.H125R variant (also known as c.374A>G), located in coding exon 4 of the LDLRAP1 gene, results from an A to G substitution at nucleotide position 374. The histidine at codon 125 is replaced by arginine, an amino acid with highly similar properties. This amino acid position is highly conserved in available vertebrate species. In addition, the in silico prediction for this alteration is inconclusive. Based on the available evidence, the clinical significance of this variant remains unclear.

NM_015627.3(LDLRAP1):c.374A>G (p.His125Arg)

Gene: LDLRAP1 (low density lipoprotein receptor adaptor protein 1; plus strand). Cytogenetic location: 1p36.11.
Variant type: single nucleotide variant.
Coding change: c.374A>G on transcript NM_015627.3 (MANE Select); coding-DNA position 374, A replaced by G.
Protein change: p.His125Arg; replaces histidine 125 with arginine.
Molecular consequence: missense variant.
Genome position (GRCh38, 1-based): chr1:25,557,182, A>G. VCF-style: chr1-25557182-A-G. GRCh37 (hg19) VCF-style: chr1-25883673-A-G.
Other names: short protein forms H125R.
Identifiers: ClinVar variation 4859183 (VCV004859183.1).